The following is an entry in ClinVar:

NM_001754.5(RUNX1):c.967+15A>G

Gene: RUNX1 (RUNX family transcription factor 1; minus strand). Cytogenetic location: 21q22.12.
Variant type: single nucleotide variant.
Coding change: c.967+15A>G on transcript NM_001754.5 (MANE Select); 15 bases into the intron after coding-DNA position 967, A replaced by G.
Molecular consequence: intron variant.
Genome position (GRCh38, 1-based): chr21:34,799,286, T>C on the plus strand (A>G on the coding strand, the complement: RUNX1 is on the minus strand). VCF-style: chr21-34799286-T-C. GRCh37 (hg19) VCF-style: chr21-36171583-T-C.
Other names: c.886+15A>G (NM_001001890.3).
Identifiers: ClinVar variation 1550005 (VCV001550005.9), dbSNP rs775558440, ClinGen allele CA10014256.

ClinVar aggregate classification (germline): Likely benign. Review status: reviewed by expert panel (3 of 4 stars). 2 submissions from 2 submitters: Likely benign (1). 1 of the submissions does not count toward it. Last evaluated 2024-09-18.

Conditions:
Hereditary thrombocytopenia and hematologic cancer predisposition syndrome. Identifiers: Orphanet 71290, MedGen CN281654, MONDO:0011071.
Hereditary thrombocytopenia and hematological cancer predisposition syndrome associated with RUNX1. Also called: RUNX1 Familial Platelet Disorder with Associated Myeloid Malignancies; Familial Platelet Disorder with Propensity to Acute Myelogenous Leukemia; Familial thrombocytopenia with propensity to acute myelogenous leukemia; PLATELET DISORDER, ASPIRIN-LIKE. Identifiers: Orphanet 71290, MedGen C1832388, MeSH C563324, MONDO:0100083, OMIM 601399.

Allele frequency attached by ClinVar (database versions not stated): ExAC 0.00001; gnomAD 0.00001; TOPMed 0.00001; gnomAD exomes below 0.00001.
gnomAD v4.1: 5 of 1,614,012 alleles (0.00031%); highest among the groups gnomAD compares: Middle Eastern, 0.016%; no homozygotes.

Submissions (2):

ClinGen Myeloid Malignancy Variant Curation Expert Panel
Classification: Likely benign for Hereditary thrombocytopenia and hematologic cancer predisposition syndrome. Last evaluated: 2024-09-18. Review status: reviewed by expert panel. Criteria: ClinGen MyeloMalig ACMG Specifications v2. Collection method: curation. Allele origin: germline. Inheritance: Autosomal dominant inheritance.
Comment: NM_001754.5(RUNX1):c.967+15A>G is an intronic variant with a SpliceAI score of 0.02, which is ≤ 0.20 (BP4). Additionally, evolutionary conservation algorithms predict the site as not being conserved, with a PhyloP score of 0.17, which is ≤ 2.0 (BP7). In summary, this variant meets the criteria to be classified as likely benign. ACMG/AMP criteria applied, as specified by the Myeloid Malignancy Variant Curation Expert Panel for RUNX1: BP4, BP7.

Labcorp Genetics (formerly Invitae), Labcorp
Classification: Likely benign for Hereditary thrombocytopenia and hematological cancer predisposition syndrome associated with RUNX1. Last evaluated: 2025-09-13. Review status: criteria provided, single submitter. Criteria: Invitae Variant Classification Sherloc (09022015). Collection method: clinical testing. Allele origin: germline. Not counted in ClinVar's aggregate classification.